The following is an entry in ClinVar:

NM_001034850.3(RETREG1):c.1171C>T (p.Gln391Ter)

Gene: RETREG1 (reticulophagy regulator 1; minus strand). Cytogenetic location: 5p15.1.
Variant type: single nucleotide variant.
Coding change: c.1171C>T on transcript NM_001034850.3 (MANE Select); coding-DNA position 1171, C replaced by T.
Protein change: p.Gln391Ter; replaces glutamine 391 with a stop codon.
Molecular consequence: nonsense.
Genome position (GRCh38, 1-based): chr5:16,475,064, G>A on the plus strand (C>T on the coding strand, the complement: RETREG1 is on the minus strand). VCF-style: chr5-16475064-G-A. GRCh37 (hg19) VCF-style: chr5-16475173-G-A.
Other names: c.748C>T, p.Gln250Ter (NM_019000.5); short protein forms Q391*, Q250*.
Identifiers: ClinVar variation 937121 (VCV000937121.7), dbSNP rs1738475876, ClinGen allele CA359256270.
Genomic context (GRCh38, chr5:16,475,064, plus strand): 5'-TGCTCATCAGGTGAAAGGTTTGGTCACTGTTCAGAGGAAGGGTGAGACCAGCTGCTGATT[G>A]CGTCTCTTTGCTTGGTCTGTGACCACTGTCCAACTGTTCCTTCTTTCTCTTGAGCTCAGT-3'

ClinVar aggregate classification (germline): Uncertain significance (1 of 4 stars; one submission).

Allele frequency attached by ClinVar (database versions not stated): gnomAD exomes below 0.00001.
gnomAD v4.1: 3 of 1,613,894 alleles (0.00019%); highest among the groups gnomAD compares: Non-Finnish European, 0.00025%; no homozygotes.

Submission:

Labcorp Genetics (formerly Invitae), Labcorp
Classification: Uncertain significance. Last evaluated: 2019-06-05. Review status: criteria provided, single submitter. Criteria: Invitae Variant Classification Sherloc (09022015). Collection method: clinical testing. Allele origin: germline.
Comment: This sequence change results in a premature translational stop signal in the RETREG1 gene (p.Gln391*). While this is not anticipated to result in nonsense mediated decay, it is expected to disrupt the last 107 amino acids of the RETREG1 protein. This variant is not present in population databases (ExAC no frequency). This variant has not been reported in the literature in individuals with RETREG1-related conditions. Algorithms developed to predict the effect of sequence changes on RNA splicing suggest that this variant may create or strengthen a splice site, but this prediction has not been confirmed by published transcriptional studies. In summary, the available evidence is currently insufficient to determine the role of this variant in disease. Therefore, it has been classified as a Variant of Uncertain Significance.